The following is an entry in ClinVar:

NM_007294.4(BRCA1):c.380G>C (p.Ser127Thr)

Gene: BRCA1 (BRCA1 DNA repair associated; minus strand). Cytogenetic location: 17q21.31.
Variant type: single nucleotide variant.
Coding change: c.380G>C on transcript NM_007294.4 (MANE Select); coding-DNA position 380, G replaced by C.
Protein change: p.Ser127Thr; replaces serine 127 with threonine.
Molecular consequence: missense variant. On other transcripts: 5 prime UTR variant (7), intron variant (2).
Genome position (GRCh38, 1-based): chr17:43,104,183, C>G on the plus strand (G>C on the coding strand, the complement: BRCA1 is on the minus strand). VCF-style: chr17-43104183-C-G. GRCh37 (hg19) VCF-style: chr17-41256200-C-G.
Other names: c.170G>C, p.Ser57Thr (NM_001407909.1, NM_001407910.1, NM_001407915.1 and 58 more transcripts); c.239G>C, p.Ser80Thr (NM_001407921.1, NM_001407922.1, NM_001407923.1 and 99 more transcripts); c.380G>C, p.Ser127Thr (NM_001407919.1, NM_001407854.1, NM_001407858.1 and 165 more transcripts); c.302G>C, p.Ser101Thr (NM_001407862.1, NM_001407874.1, NM_001407875.1 and 21 more transcripts); c.-2G>C (NM_001407959.1, NM_001407960.1, NM_001407962.1 and 4 more transcripts); c.371G>C, p.Ser124Thr (NM_001408408.1, NM_001407646.1, NM_001407647.1); c.248G>C, p.Ser83Thr (NM_001408451.1); c.-218-9323G>C (NM_001407967.1, NM_001407966.1); short protein forms S127T, S80T, S101T, S124T, S57T, S83T.
Identifiers: ClinVar variation 2827380 (VCV002827380.3), dbSNP rs80357189, ClinGen allele CA10601382.

ClinVar aggregate classification (germline): Uncertain significance (1 of 4 stars; one submission).

Conditions:
Hereditary breast ovarian cancer syndrome. Also called: Hereditary breast and/or ovarian cancer syndrome; Hereditary breast and ovarian cancer; Hereditary breast and ovarian cancer syndrome; Breast and ovarian cancer; Hereditary breast and ovarian cancer syndrome (HBOC); BRCA1- and BRCA2-Associated Hereditary Breast and Ovarian Cancer. Identifiers: Orphanet 145, MedGen C0677776, MeSH D061325, MONDO:0003582. Disease mechanism: loss of function.

gnomAD v4.1: 2 of 1,613,996 alleles (0.00012%); highest among the groups gnomAD compares: Non-Finnish European, 0.00017%; no homozygotes.

Submission:

Labcorp Genetics (formerly Invitae), Labcorp
Classification: Uncertain significance for Hereditary breast ovarian cancer syndrome. Last evaluated: 2023-01-10. Review status: criteria provided, single submitter. Criteria: Invitae Variant Classification Sherloc (09022015). Collection method: clinical testing. Allele origin: germline.
Comment: In summary, the available evidence is currently insufficient to determine the role of this variant in disease. Therefore, it has been classified as a Variant of Uncertain Significance. Advanced modeling of protein sequence and biophysical properties (such as structural, functional, and spatial information, amino acid conservation, physicochemical variation, residue mobility, and thermodynamic stability) performed at Invitae indicates that this missense variant is not expected to disrupt BRCA1 protein function. This variant has not been reported in the literature in individuals affected with BRCA1-related conditions. This variant is not present in population databases (gnomAD no frequency). This sequence change replaces serine, which is neutral and polar, with threonine, which is neutral and polar, at codon 127 of the BRCA1 protein (p.Ser127Thr).